The following is an entry in ClinVar:

ClinVar aggregate classification (germline): Likely pathogenic (0 of 4 stars; one submission).

Conditions:
SHANK1-related disorder. Also called: SHANK1-related condition.

Submission:

PreventionGenetics, part of Exact Sciences
Classification: Likely pathogenic for SHANK1-related condition. Last evaluated: 2024-01-09. Review status: no assertion criteria provided. Collection method: clinical testing. Allele origin: germline.
Comment: The SHANK1 c.2397delinsAA variant is predicted to result in a frameshift and premature protein termination (p.Gln800Thrfs*60). To our knowledge, this variant has not been reported in the literature or in a large population database, indicating this variant is rare. Frameshift variants in SHANK1 are expected to be pathogenic. This variant is interpreted as likely pathogenic.

NM_016148.5(SHANK1):c.2397delinsAA (p.Gln800fs)

Gene: SHANK1 (SH3 and multiple ankyrin repeat domains 1; minus strand). Cytogenetic location: 19q13.33.
Variant type: Indel.
Coding change: c.2397delinsAA on transcript NM_016148.5 (MANE Select); coding-DNA position 2397, G replaced by AA.
Protein change: p.Gln800fs; shifts the reading frame from glutamine 800.
Molecular consequence: frameshift variant.
Genome position (GRCh38, 1-based): chr19:50,686,805, C replaced by TT on the plus strand (G replaced by AA on the coding strand, the reverse complement: SHANK1 is on the minus strand). VCF-style: chr19-50686805-C-TT. GRCh37 (hg19) VCF-style: chr19-51190062-C-TT.
Other names: short protein forms Q800fs.
Identifiers: ClinVar variation 3037192 (VCV003037192.2), dbSNP rs2513919782, ClinGen allele CA2740096967.